The following is an entry in ClinVar:

ClinVar aggregate classification (germline): Uncertain significance (1 of 4 stars; one submission).

Conditions:
Hereditary cancer-predisposing syndrome. Also called: Hereditary Cancer Syndrome; Hereditary neoplastic syndrome; Tumor predisposition; Neoplastic Syndromes, Hereditary. Identifiers: Orphanet 140162, MedGen C0027672, MeSH D009386, MONDO:0015356.

Submission:

Ambry Genetics
Classification: Uncertain significance for Hereditary cancer-predisposing syndrome. Last evaluated: 2021-08-19. Review status: criteria provided, single submitter. Criteria: Ambry Variant Classification Scheme 2023. Collection method: clinical testing. Allele origin: germline.
Comment: The p.Y793N variant (also known as c.2377T>A), located in coding exon 14 of the DICER1 gene, results from a T to A substitution at nucleotide position 2377. The tyrosine at codon 793 is replaced by asparagine, an amino acid with dissimilar properties. This amino acid position is highly conserved in available vertebrate species. In addition, this alteration is predicted to be deleterious by in silico analysis. Since supporting evidence is limited at this time, the clinical significance of this alteration remains unclear.

NM_177438.3(DICER1):c.2377T>A (p.Tyr793Asn)

Gene: DICER1 (dicer 1, ribonuclease III; minus strand). Cytogenetic location: 14q32.13.
Variant type: single nucleotide variant.
Coding change: c.2377T>A on transcript NM_177438.3 (MANE Select); coding-DNA position 2377, T replaced by A.
Protein change: p.Tyr793Asn; replaces tyrosine 793 with asparagine.
Molecular consequence: missense variant. On other transcripts: non-coding transcript variant (6).
Genome position (GRCh38, 1-based): chr14:95,108,383, A>T on the plus strand (T>A on the coding strand, the complement: DICER1 is on the minus strand). VCF-style: chr14-95108383-A-T. GRCh37 (hg19) VCF-style: chr14-95574720-A-T.
Other names: c.2377T>A, p.Tyr793Asn (NM_001195573.1, NM_001271282.3, NM_001291628.2 and 13 more transcripts); c.2095T>A, p.Tyr699Asn (NM_001395686.1); c.1972T>A, p.Tyr658Asn (NM_001395687.1, NM_001395688.1, NM_001395689.1 and 2 more transcripts); c.1810T>A, p.Tyr604Asn (NM_001395691.1); c.694T>A, p.Tyr232Asn (NM_001395697.1); short protein forms Y232N, Y604N, Y699N, Y658N, Y793N.
Identifiers: ClinVar variation 1790384 (VCV001790384.2), dbSNP rs2542853399, ClinGen allele CA390882175.
Genomic context (GRCh38, chr14:95,108,383, plus strand): 5'-CCTGAGGTATGGGTTTGGCCGTCAGTATTCCAAAGCATCTTGTGGTATCTTCAGGAGGAT[A>T]GAGCTTCCGCCTTCTAAAGTTGAGTTCATCAGGTAAAGGTGTAGTTAAAACCATTCCTAT-3'
Protein context (NP_803187.1, residues 783-803): DELNFRRRKL[Tyr793Asn]PPEDTTRCFG